The following is an entry in ClinVar:

ClinVar aggregate classification (germline): Uncertain significance (1 of 4 stars; one submission).

Conditions:
Autosomal recessive ataxia, Beauce type. Also called: SYNE1-Related Autosomal Recessive Cerebellar Ataxia; Spinocerebellar ataxia, autosomal recessive 8; ATAXIA, RECESSIVE, OF BEAUCE; SYNE1 Deficiency. Identifiers: Orphanet 88644, MedGen C1853116, MONDO:0012549, OMIM 610743.
Emery-Dreifuss muscular dystrophy 4, autosomal dominant (EDMD4). Also called: EMERY-DREIFUSS MUSCULAR DYSTROPHY 4 WITH VARIABLE FEATURES. Identifiers: Orphanet 261, MedGen C2751807, MONDO:0013071, OMIM 612998.

Submission:

Labcorp Genetics (formerly Invitae), Labcorp
Classification: Uncertain significance for Emery-Dreifuss muscular dystrophy 4, autosomal dominant; Autosomal recessive ataxia, Beauce type. Last evaluated: 2022-06-05. Review status: criteria provided, single submitter. Criteria: Invitae Variant Classification Sherloc (09022015). Collection method: clinical testing. Allele origin: germline.
Comment: This variant has not been reported in the literature in individuals affected with SYNE1-related conditions. This sequence change replaces glutamic acid, which is acidic and polar, with glutamine, which is neutral and polar, at codon 964 of the SYNE1 protein (p.Glu964Gln). This variant is not present in population databases (gnomAD no frequency). ClinVar contains an entry for this variant (Variation ID: 1506410). Algorithms developed to predict the effect of missense changes on protein structure and function are either unavailable or do not agree on the potential impact of this missense change (SIFT: "Deleterious"; PolyPhen-2: "Probably Damaging"; Align-GVGD: "Class C0"). In summary, the available evidence is currently insufficient to determine the role of this variant in disease. Therefore, it has been classified as a Variant of Uncertain Significance.

NM_182961.4(SYNE1):c.2869G>C (p.Glu957Gln)

Gene: SYNE1 (spectrin repeat containing nuclear envelope protein 1; minus strand). Cytogenetic location: 6q25.2.
Variant type: single nucleotide variant.
Coding change: c.2869G>C on transcript NM_182961.4 (MANE Select); coding-DNA position 2869, G replaced by C.
Protein change: p.Glu957Gln; replaces glutamic acid 957 with glutamine.
Molecular consequence: missense variant.
Genome position (GRCh38, 1-based): chr6:152,455,449, C>G on the plus strand (G>C on the coding strand, the complement: SYNE1 is on the minus strand). VCF-style: chr6-152455449-C-G. GRCh37 (hg19) VCF-style: chr6-152776584-C-G.
Other names: c.2890G>C, p.Glu964Gln (NM_033071.5); short protein forms E957Q, E964Q.
Identifiers: ClinVar variation 1506410 (VCV001506410.6), dbSNP rs2154257153, ClinGen allele CA366110261.